The following is an entry in ClinVar:

NM_001349253.2(SCN11A):c.2240G>A (p.Arg747Gln)

Gene: SCN11A (sodium voltage-gated channel alpha subunit 11; minus strand). Cytogenetic location: 3p22.2.
Variant type: single nucleotide variant.
Coding change: c.2240G>A on transcript NM_001349253.2 (MANE Select); coding-DNA position 2240, G replaced by A.
Protein change: p.Arg747Gln; replaces arginine 747 with glutamine.
Molecular consequence: missense variant.
Genome position (GRCh38, 1-based): chr3:38,897,008, C>T on the plus strand (G>A on the coding strand, the complement: SCN11A is on the minus strand). VCF-style: chr3-38897008-C-T. GRCh37 (hg19) VCF-style: chr3-38938499-C-T.
Other names: c.2240G>A, p.Arg747Gln (NM_014139.3); short protein forms R747Q.
Identifiers: ClinVar variation 1788276 (VCV001788276.5), dbSNP rs771382333, ClinGen allele CA2322105.

ClinVar aggregate classification (germline): Uncertain significance. Review status: criteria provided, multiple submitters, no conflicts (2 of 4 stars). 2 submissions from 2 submitters: Uncertain significance (2). Last evaluated 2022-12-14.

Conditions:
Hereditary sensory and autonomic neuropathy type 7. Also called: Neuropathy, hereditary sensory and autonomic, type VII; HSAN VII. Identifiers: Orphanet 391397, MedGen C3809882, MONDO:0014244, OMIM 615548.
Familial episodic pain syndrome with predominantly lower limb involvement. Also called: Episodic pain syndrome, familial, 3. Identifiers: Orphanet 391384, Orphanet 391392, MedGen C3809899, MONDO:0014247, OMIM 615552.
Inborn genetic diseases. Identifiers: MedGen C0950123, MeSH D030342.

Allele frequency attached by ClinVar (database versions not stated): gnomAD exomes below 0.00001; ExAC 0.00002.
gnomAD v4.1: 7 of 1,614,040 alleles (0.00043%); highest among the groups gnomAD compares: East Asian, 0.0045%; no homozygotes.

Submissions (2):

Labcorp Genetics (formerly Invitae), Labcorp
Classification: Uncertain significance for Familial episodic pain syndrome with predominantly lower limb involvement; Hereditary sensory and autonomic neuropathy type 7. Last evaluated: 2022-12-14. Review status: criteria provided, single submitter. Criteria: Invitae Variant Classification Sherloc (09022015). Collection method: clinical testing. Allele origin: germline.
Comment: This sequence change replaces arginine, which is basic and polar, with glutamine, which is neutral and polar, at codon 747 of the SCN11A protein (p.Arg747Gln). This variant is present in population databases (rs771382333, gnomAD 0.01%). This variant has not been reported in the literature in individuals affected with SCN11A-related conditions. ClinVar contains an entry for this variant (Variation ID: 1788276). Algorithms developed to predict the effect of missense changes on protein structure and function (SIFT, PolyPhen-2, Align-GVGD) all suggest that this variant is likely to be disruptive. In summary, the available evidence is currently insufficient to determine the role of this variant in disease. Therefore, it has been classified as a Variant of Uncertain Significance.

Ambry Genetics
Classification: Uncertain significance for Inborn genetic diseases. Last evaluated: 2022-05-03. Review status: criteria provided, single submitter. Criteria: Ambry Variant Classification Scheme 2023. Collection method: clinical testing. Allele origin: germline.
Comment: The p.R747Q variant (also known as c.2240G>A), located in coding exon 14 of the SCN11A gene, results from a G to A substitution at nucleotide position 2240. The arginine at codon 747 is replaced by glutamine, an amino acid with highly similar properties. This amino acid position is conserved. In addition, the in silico prediction for this alteration is inconclusive. Since supporting evidence is limited at this time, the clinical significance of this alteration remains unclear.